The following is an entry in ClinVar:

NM_000188.3(HK1):c.1193G>A (p.Arg398His)

Gene: HK1 (hexokinase 1; plus strand). Cytogenetic location: 10q22.1.
Variant type: single nucleotide variant.
Coding change: c.1193G>A on transcript NM_000188.3 (MANE Select); coding-DNA position 1193, G replaced by A.
Protein change: p.Arg398His; replaces arginine 398 with histidine.
Molecular consequence: missense variant.
Genome position (GRCh38, 1-based): chr10:69,380,023, G>A. VCF-style: chr10-69380023-G-A. GRCh37 (hg19) VCF-style: chr10-71139779-G-A.
Other names: c.1205G>A, p.Arg402His (NM_001322364.2, NM_001358263.1, NM_033497.3 and 1 more transcripts); c.1298G>A, p.Arg433His (NM_001322365.2); c.1109G>A, p.Arg370His (NM_001322366.1); c.1097G>A, p.Arg366His (NM_001322367.1); c.1190G>A, p.Arg397His (NM_033496.3); c.1157G>A, p.Arg386His (NM_033500.2); short protein forms R366H, R370H, R386H, R397H, R433H, R398H, R402H.
Identifiers: ClinVar variation 863199 (VCV000863199.9), dbSNP rs775082107, ClinGen allele CA5532530.

ClinVar aggregate classification (germline): Uncertain significance (1 of 4 stars; one submission).

Allele frequency attached by ClinVar (database versions not stated): ExAC 0.00002; gnomAD exomes 0.00002.
gnomAD v4.1: 34 of 1,614,154 alleles (0.0021%); highest among the groups gnomAD compares: Non-Finnish European, 0.0026%; no homozygotes.

Submission:

Labcorp Genetics (formerly Invitae), Labcorp
Classification: Uncertain significance. Last evaluated: 2025-11-04. Review status: criteria provided, single submitter. Criteria: Invitae Variant Classification Sherloc (09022015). Collection method: clinical testing. Allele origin: germline.
Comment: This sequence change replaces arginine, which is basic and polar, with histidine, which is basic and polar, at codon 398 of the HK1 protein (p.Arg398His). This variant is present in population databases (rs775082107, gnomAD 0.003%). This variant has not been reported in the literature in individuals affected with HK1-related conditions. ClinVar contains an entry for this variant (Variation ID: 863199). Invitae Evidence Modeling of protein sequence and biophysical properties (such as structural, functional, and spatial information, amino acid conservation, physicochemical variation, residue mobility, and thermodynamic stability) indicates that this missense variant is not expected to disrupt HK1 protein function with a negative predictive value of 80%. In summary, the available evidence is currently insufficient to determine the role of this variant in disease. Therefore, it has been classified as a Variant of Uncertain Significance.